The following is an entry in ClinVar:

ClinVar aggregate classification (germline): Pathogenic (1 of 4 stars; one submission).

Conditions:
Achondrogenesis, type IB (ACG1B). Also called: Achondrogenesis Type 1B. Identifiers: Orphanet 932, Orphanet 93298, MedGen C0265274, MONDO:0010966, OMIM 600972.
Multiple epiphyseal dysplasia type 4 (EDM4). Also called: SLC26A2-Related Multiple Epiphyseal Dysplasia; Multiple Epiphyseal Dysplasia, Recessive; MULTIPLE EPIPHYSEAL DYSPLASIA WITH BILAYERED PATELLAE; MULTIPLE EPIPHYSEAL DYSPLASIA WITH CLUBFOOT; MULTIPLE EPIPHYSEAL DYSPLASIA, AUTOSOMAL RECESSIVE. Identifiers: Orphanet 93307, MedGen C1847593, MONDO:0009189, OMIM 226900.
Atelosteogenesis type II (AO2). Also called: Neonatal osseous dysplasia 1; SLC26A2-Related Atelosteogenesis; NEONATAL OSSEOUS DYSPLASIA I. Identifiers: Orphanet 56304, MedGen C1850554, MONDO:0009727, OMIM 256050.
Diastrophic dysplasia (DTD). Also called: Diastrophic dwarfism. Identifiers: Orphanet 628, MedGen C0220726, MONDO:0009107, OMIM 222600.

Submission:

Labcorp Genetics (formerly Invitae), Labcorp
Classification: Pathogenic for Atelosteogenesis type II; Multiple epiphyseal dysplasia type 4; Achondrogenesis, type IB; Diastrophic dysplasia. Last evaluated: 2022-04-26. Review status: criteria provided, single submitter. Criteria: Invitae Variant Classification Sherloc (09022015). Collection method: clinical testing. Allele origin: germline.
Comment: For these reasons, this variant has been classified as Pathogenic. This variant disrupts a region of the SLC26A2 protein in which other variant(s) (p.Ala715Val) have been determined to be pathogenic (PMID: 8571951, 21077204, 21922596). This suggests that this is a clinically significant region of the protein, and that variants that disrupt it are likely to be disease-causing. This variant has not been reported in the literature in individuals affected with SLC26A2-related conditions. This variant is not present in population databases (gnomAD no frequency). This sequence change creates a premature translational stop signal (p.Asn696Lysfs*16) in the SLC26A2 gene. While this is not anticipated to result in nonsense mediated decay, it is expected to disrupt the last 44 amino acid(s) of the SLC26A2 protein.

Literature cited by the submitters: PubMed 8571951; PubMed 21077204; PubMed 21922596.

NM_000112.4(SLC26A2):c.2087dup (p.Asn696fs)

Gene: SLC26A2 (solute carrier family 26 member 2; plus strand). Cytogenetic location: 5q32.
Variant type: Duplication.
Coding change: c.2087dup on transcript NM_000112.4 (MANE Select); coding-DNA position 2087, one base duplicated (A; older notation c.2087dupA).
Protein change: p.Asn696fs; shifts the reading frame from asparagine 696.
Molecular consequence: frameshift variant.
Genome position (GRCh38, 1-based): chr5:149,981,680, A duplicated; the last of 2 consecutive A bases (chr5:149,981,679-149,981,680); duplicating either gives the same sequence. VCF-style (leftmost placement, unchanged base first): chr5-149981678-C-CA. GRCh37 (hg19) VCF-style: chr5-149361241-C-CA.
Other names: short protein forms N696fs.
Identifiers: ClinVar variation 2130944 (VCV002130944.4), dbSNP rs2480778039, ClinGen allele CA2580073969.